The following is an entry in ClinVar:

ClinVar aggregate classification (germline): Uncertain significance (1 of 4 stars; one submission).

Conditions:
Inborn genetic diseases. Identifiers: MedGen C0950123, MeSH D030342.

Submission:

Ambry Genetics
Classification: Uncertain significance for Inborn genetic diseases. Last evaluated: 2026-05-02. Review status: criteria provided, single submitter. Criteria: Ambry Variant Classification Scheme 2023. Collection method: clinical testing. Allele origin: germline.
Comment: The p.S527P variant (also known as c.1579T>C), located in coding exon 17 of the RTEL1 gene, results from a T to C substitution at nucleotide position 1579. The serine at codon 527 is replaced by proline, an amino acid with similar properties. This amino acid position is conserved. In addition, this alteration is predicted to be deleterious by in silico analysis. Based on the available evidence, the clinical significance of this variant remains unclear.

NM_001283009.2(RTEL1):c.1579T>C (p.Ser527Pro)

Genes: RTEL1 (regulator of telomere elongation helicase 1; plus strand), RTEL1-TNFRSF6B (RTEL1-TNFRSF6B readthrough (NMD candidate); plus strand). Cytogenetic location: 20q13.33.
Variant type: single nucleotide variant.
Coding change: c.1579T>C on transcript NM_001283009.2 (MANE Select); coding-DNA position 1579, T replaced by C.
Protein change: p.Ser527Pro; replaces serine 527 with proline.
Molecular consequence: missense variant. On other transcripts: non-coding transcript variant (1).
Genome position (GRCh38, 1-based): chr20:63,688,034, T>C. VCF-style: chr20-63688034-T-C. GRCh37 (hg19) VCF-style: chr20-62319387-T-C.
Other names: c.910T>C, p.Ser304Pro (NM_001283010.1); c.1579T>C, p.Ser527Pro (NM_016434.4); c.1651T>C, p.Ser551Pro (NM_032957.5); short protein forms S304P, S527P, S551P.
Identifiers: ClinVar variation 4863581 (VCV004863581.1).